The following is an entry in ClinVar:

NM_001099274.3(TINF2):c.-225G>A

Genes: TINF2 (TERF1 interacting nuclear factor 2; minus strand), LOC130055404 (ATAC-STARR-seq lymphoblastoid active region 8200; plus strand). Cytogenetic location: 14q12.
Variant type: single nucleotide variant.
Coding change: c.-225G>A on transcript NM_001099274.3 (MANE Select); 225 bases upstream of the start codon, G replaced by A.
Molecular consequence: 5 prime UTR variant.
Genome position (GRCh38, 1-based): chr14:24,242,557, C>T on the plus strand (G>A on the coding strand, the complement: TINF2 is on the minus strand). VCF-style: chr14-24242557-C-T. GRCh37 (hg19) VCF-style: chr14-24711763-C-T.
Other names: c.-225G>A (NM_001363668.2, NM_012461.3).
Identifiers: ClinVar variation 312964 (VCV000312964.6), dbSNP rs35781178, ClinGen allele CA10640026.
Genomic context (GRCh38, chr14:24,242,557, plus strand): 5'-AGAATTCTGGGGGAGGGGGTCTTCTGGCTCGGGCTGGAGGAGCCTGAGTGGAGAAGCTGA[C>T]CGTCTCCAGTGGCACTGGGTCGCTCAGCTTTAAACGTCGCCGCTGTCTCGAGCCCGAGGG-3'

ClinVar aggregate classification (germline): Benign. Review status: criteria provided, multiple submitters, no conflicts (2 of 4 stars). 3 submissions from 2 submitters: Benign (3). Last evaluated 2018-01-13.

Conditions:
Dyskeratosis congenita, autosomal dominant 3. Identifiers: MedGen C3151445, MONDO:0013522, OMIM 613990.
Revesz syndrome. Also called: EXUDATIVE RETINOPATHY WITH BONE MARROW FAILURE; DYSKERATOSIS CONGENITA, AUTOSOMAL DOMINANT 5. Identifiers: Orphanet 3088, MedGen C1327916, MONDO:0009990, OMIM 268130.

Allele frequency attached by ClinVar (database versions not stated): 1000 Genomes Project 0.00180; 1000 Genomes Project 30x 0.00187; TOPMed 0.00370; gnomAD 0.00409 and 0.00421; gnomAD exomes 0.00577.

Submissions (3):

Illumina Laboratory Services, Illumina
Classification: Benign for Revesz syndrome. Last evaluated: 2018-01-13. Review status: criteria provided, single submitter. Criteria: ICSL Variant Classification Criteria 13 December 2019. Collection method: clinical testing. Allele origin: germline.
Comment: This variant was observed in the ICSL laboratory as part of a predisposition screen in an ostensibly healthy population. It had not been previously curated by ICSL or reported in the Human Gene Mutation Database (HGMD: prior to June 1st, 2018), and was therefore a candidate for classification through an automated scoring system. Utilizing variant allele frequency, disease prevalence and penetrance estimates, and inheritance mode, an automated score was calculated to assess if this variant is too frequent to cause the disease. Based on the score and internal cut-off values, a variant classified as benign is not then subjected to further curation. The score for this variant resulted in a classification of benign for this disease.

Illumina Laboratory Services, Illumina
Classification: Benign for Dyskeratosis congenita, autosomal dominant 3. Last evaluated: 2018-01-13. Review status: criteria provided, single submitter. Criteria: ICSL Variant Classification Criteria 13 December 2019. Collection method: clinical testing. Allele origin: germline.
Comment: the same text as in the submission from Illumina Laboratory Services, Illumina above.

Breakthrough Genomics
Classification: Benign. Review status: criteria provided, single submitter. Criteria: ACMG Guidelines, 2015. Collection method: not provided. Allele origin: germline. Inheritance: Autosomal dominant inheritance. Affected: yes.